The following is an entry in ClinVar:

NM_006514.4(SCN10A):c.2287G>A (p.Val763Ile)

Gene: SCN10A (sodium voltage-gated channel alpha subunit 10; minus strand). Cytogenetic location: 3p22.2.
Variant type: single nucleotide variant.
Coding change: c.2287G>A on transcript NM_006514.4 (MANE Select); coding-DNA position 2287, G replaced by A.
Protein change: p.Val763Ile; replaces valine 763 with isoleucine.
Molecular consequence: missense variant.
Genome position (GRCh38, 1-based): chr3:38,728,895, C>T on the plus strand (G>A on the coding strand, the complement: SCN10A is on the minus strand). VCF-style: chr3-38728895-C-T. GRCh37 (hg19) VCF-style: chr3-38770386-C-T.
Other names: c.2287G>A, p.Val763Ile (NM_001293306.2); c.1993G>A, p.Val665Ile (NM_001293307.2); short protein forms V665I, V763I.
Identifiers: ClinVar variation 1553093 (VCV001553093.12), dbSNP rs569904203, ClinGen allele CA2320573.
Genomic context (GRCh38, chr3:38,728,895, plus strand): 5'-AGTTTCCGATGATCTTGATGAGTGTGTTTAAGGTGGGCCAGGATTTGGCCAGCTTGAATA[C>T]GCGCAGCTGCAGAGAAACAGAGACCGTCAGGTTTTGGTAGCTGTGCTCATTACCTTTCAT-3'
Protein context (NP_006505.4, residues 753-773): SVLRSFRLLR[Val763Ile]FKLAKSWPTL

ClinVar aggregate classification (germline): Likely benign. Review status: criteria provided, multiple submitters, no conflicts (2 of 4 stars). 4 submissions from 4 submitters: Likely benign (4). Last evaluated 2026-03-02.

Conditions:
Cardiovascular phenotype. Identifiers: MedGen CN230736.
Brugada syndrome. Also called: Sudden Unexplained Death Syndrome; Sudden Unexplained Nocturnal Death Syndrome (SUNDS); Sudden unexpected nocturnal death syndrome; Sudden unexplained nocturnal death syndrome. Identifiers: Orphanet 130, MedGen C1142166, MONDO:0015263.

Allele frequency attached by ClinVar (database versions not stated): gnomAD 0.00001 and 0.00007; TOPMed 0.00003; gnomAD exomes 0.00014 and 0.00026; 1000 Genomes Project 30x 0.00016; 1000 Genomes Project 0.00020; ExAC 0.00037.

Submissions (4):

Women's Health and Genetics/Laboratory Corporation of America, LabCorp
Classification: Likely benign. Last evaluated: 2026-03-02. Review status: criteria provided, single submitter. Criteria: LabCorp Variant Classification Summary - May 2015. Collection method: clinical testing. Allele origin: germline.
Comment: Variant summary: SCN10A c.2287G>A (p.Val763Ile) results in a conservative amino acid change in the encoded protein sequence. Algorithms developed to predict the effect of missense changes on protein structure and function are either unavailable or do not agree on the potential impact of this missense change. The variant allele was found at a frequency of 0.00026 in 246050 control chromosomes, predominantly at a frequency of 0.0021 within the South Asian subpopulation in the gnomAD database. The observed variant frequency within South Asian control individuals in the gnomAD database exceeds the estimated maximal expected allele frequency for disease-causing variants in SCN10A. c.2287G>A has been observed in individual(s) affected with Episodic pain syndrome, familial, 2. These report(s) do not provide unequivocal conclusions about association of the variant with Episodic pain syndrome, familial, 2. To our knowledge, no experimental evidence demonstrating an impact on protein function has been reported. The following publication have been ascertained in the context of this evaluation (PMID: 29911575). ClinVar contains an entry for this variant (Variation ID: 1553093). Based on the evidence outlined above, the variant was classified as likely benign.

Labcorp Genetics (formerly Invitae), Labcorp
Classification: Likely benign for Brugada syndrome. Last evaluated: 2024-05-22. Review status: criteria provided, single submitter. Criteria: Invitae Variant Classification Sherloc (09022015). Collection method: clinical testing. Allele origin: germline.

Ambry Genetics
Classification: Likely benign for Cardiovascular phenotype. Last evaluated: 2022-06-14. Review status: criteria provided, single submitter. Criteria: Ambry Variant Classification Scheme 2023. Collection method: clinical testing. Allele origin: germline.

Blueprint Genetics
Classification: Likely benign. Last evaluated: 2021-08-31. Review status: criteria provided, single submitter. Criteria: ACMG Guidelines, 2015. Collection method: clinical testing. Allele origin: germline.

Literature cited by the submitters: PubMed 29911575 (cited by Women's Health and Genetics/Laboratory Corporation of America, LabCorp).